The following is an entry in ClinVar:

ClinVar aggregate classification (germline): Uncertain significance (1 of 4 stars; one submission).

Allele frequency attached by ClinVar (database versions not stated): gnomAD 0.00001; TOPMed 0.00001.
gnomAD v4.1: 5 of 1,606,668 alleles (0.00031%); highest among the groups gnomAD compares: Non-Finnish European, 0.00043%; no homozygotes.

Submission:

Labcorp Genetics (formerly Invitae), Labcorp
Classification: Uncertain significance. Last evaluated: 2022-07-06. Review status: criteria provided, single submitter. Criteria: Invitae Variant Classification Sherloc (09022015). Collection method: clinical testing. Allele origin: germline.
Comment: In summary, the available evidence is currently insufficient to determine the role of this variant in disease. Therefore, it has been classified as a Variant of Uncertain Significance. Experimental studies and prediction algorithms are not available or were not evaluated, and the functional significance of this variant is currently unknown. ClinVar contains an entry for this variant (Variation ID: 1497571). This variant has not been reported in the literature in individuals affected with COL18A1-related conditions. This variant is not present in population databases (gnomAD no frequency). This sequence change replaces proline, which is neutral and non-polar, with histidine, which is basic and polar, at codon 992 of the COL18A1 protein (p.Pro992His).

NM_001379500.1(COL18A1):c.2984C>A (p.Pro995His)

Genes: COL18A1 (collagen type XVIII alpha 1 chain; plus strand), SLC19A1 (solute carrier family 19 member 1; minus strand). Cytogenetic location: 21q22.3.
Variant type: single nucleotide variant.
Coding change: c.2984C>A on transcript NM_001379500.1 (MANE Select); coding-DNA position 2984, C replaced by A.
Protein change: p.Pro995His; replaces proline 995 with histidine.
Molecular consequence: missense variant.
Genome position (GRCh38, 1-based): chr21:45,505,249, C>A. VCF-style: chr21-45505249-C-A. GRCh37 (hg19) VCF-style: chr21-46925163-C-A.
Other names: c.3515C>A, p.Pro1172His (NM_030582.4); c.4220C>A, p.Pro1407His (NM_130444.3); short protein forms P1172H, P1407H, P995H.
Identifiers: ClinVar variation 1497571 (VCV001497571.4), dbSNP rs1014617525, ClinGen allele CA410499593.